The following is an entry in ClinVar:

ClinVar aggregate classification (germline): Uncertain significance (1 of 4 stars; one submission).

Conditions:
Autosomal dominant nocturnal frontal lobe epilepsy 5. Also called: Epilepsy, nocturnal frontal lobe, 5; CILIARY DYSKINESIA, PRIMARY, 28, WITHOUT SITUS INVERSUS; CILIARY DYSKINESIA, PRIMARY, 28, WITH SITUS INVERSUS; KCNT1-Related Epilepsy. Identifiers: Orphanet 98784, MedGen C3554306, MONDO:0014002, OMIM 615005.
Developmental and epileptic encephalopathy, 14 (DEE14). Also called: Early infantile epileptic encephalopathy 14. Identifiers: Orphanet 293181, MedGen C3554195, MONDO:0013989, OMIM 614959.

Allele frequency attached by ClinVar (database versions not stated): gnomAD exomes below 0.00001.
gnomAD v4.1: 1 of 1,610,320 alleles (0.000062%); highest among the groups gnomAD compares: South Asian, 0.0011%; no homozygotes.

Submission:

Labcorp Genetics (formerly Invitae), Labcorp
Classification: Uncertain significance for Autosomal dominant nocturnal frontal lobe epilepsy 5; Developmental and epileptic encephalopathy, 14. Last evaluated: 2024-05-15. Review status: criteria provided, single submitter. Criteria: Invitae Variant Classification Sherloc (09022015). Collection method: clinical testing. Allele origin: germline.
Comment: This sequence change replaces cysteine, which is neutral and slightly polar, with arginine, which is basic and polar, at codon 145 of the KCNT1 protein (p.Cys145Arg). This variant is not present in population databases (gnomAD no frequency). This variant has not been reported in the literature in individuals affected with KCNT1-related conditions. An algorithm developed to predict the effect of missense changes on protein structure and function (PolyPhen-2) suggests that this variant is likely to be disruptive. In summary, the available evidence is currently insufficient to determine the role of this variant in disease. Therefore, it has been classified as a Variant of Uncertain Significance.

NM_020822.3(KCNT1):c.433T>C (p.Cys145Arg)

Gene: KCNT1 (potassium sodium-activated channel subfamily T member 1; plus strand). Cytogenetic location: 9q34.3.
Variant type: single nucleotide variant.
Coding change: c.433T>C on transcript NM_020822.3 (MANE Select); coding-DNA position 433, T replaced by C.
Protein change: p.Cys145Arg; replaces cysteine 145 with arginine.
Molecular consequence: missense variant.
Genome position (GRCh38, 1-based): chr9:135,751,040, T>C. VCF-style: chr9-135751040-T-C. GRCh37 (hg19) VCF-style: chr9-138642886-T-C.
Other names: c.289T>C, p.Cys97Arg (NM_001272003.2); short protein forms C97R, C145R.
Identifiers: ClinVar variation 2946859 (VCV002946859.3), dbSNP rs2490782731, ClinGen allele CA375495148.